The following is an entry in ClinVar:

NM_001080517.3(SETD5):c.1077+4A>G

Gene: SETD5 (SET domain containing 5; plus strand). Cytogenetic location: 3p25.3.
Variant type: single nucleotide variant.
Coding change: c.1077+4A>G on transcript NM_001080517.3 (MANE Select); 4 bases into the intron after coding-DNA position 1077, A replaced by G.
Molecular consequence: intron variant.
Genome position (GRCh38, 1-based): chr3:9,442,249, A>G. VCF-style: chr3-9442249-A-G. GRCh37 (hg19) VCF-style: chr3-9483933-A-G.
Other names: c.783+4A>G (NM_001349451.2, NM_001292043.2).
Identifiers: ClinVar variation 3027285 (VCV003027285.22), dbSNP rs2472726057, ClinGen allele CA2740094295.

ClinVar aggregate classification (germline): Uncertain significance (1 of 4 stars; one submission).

Submission:

CeGaT Center for Human Genetics Tuebingen
Classification: Uncertain significance. Last evaluated: 2024-02-01. Review status: criteria provided, single submitter. Criteria: CeGaT Center For Human Genetics Tuebingen Variant Classification Criteria Version 2. Collection method: clinical testing. Allele origin: germline. Affected: yes. Observed: 1 variant allele.
Comment: SETD5: PM2, PS2:Moderate, BS3:Supporting